The following is an entry in ClinVar:

ClinVar aggregate classification (germline): Uncertain significance. Review status: criteria provided, multiple submitters, no conflicts (2 of 4 stars). 2 submissions from 2 submitters: Uncertain significance (2). Last evaluated 2024-03-25.

Conditions:
Intellectual developmental disorder, autosomal recessive 57. Also called: Intellectual disability, autosomal recessive 57. Identifiers: MedGen C4310673, MONDO:0014962, OMIM 617188.

Allele frequency attached by ClinVar (database versions not stated): TOPMed 0.00001; ExAC 0.00007.
gnomAD v4.1: 9 of 1,558,070 alleles (0.00058%); highest among the groups gnomAD compares: Non-Finnish European, 0.00069%; no homozygotes.

Submissions (2):

Genomic Medicine Center of Excellence, King Faisal Specialist Hospital and Research Centre
Classification: Uncertain significance for Intellectual developmental disorder, autosomal recessive 57. Last evaluated: 2024-03-25. Review status: criteria provided, single submitter. Criteria: ACMG Guidelines, 2015. Collection method: research. Allele origin: germline.

GeneDx
Classification: Uncertain significance. Last evaluated: 2020-01-16. Review status: criteria provided, single submitter. Criteria: GeneDx Variant Classification Process June 2021. Collection method: clinical testing. Allele origin: germline. Affected: yes.
Comment: Not observed at a significant frequency in large population cohorts (Lek et al., 2016); In silico analysis, which includes protein predictors and evolutionary conservation, supports a deleterious effect; Has not been previously published as pathogenic or benign to our knowledge

NM_024298.5(MBOAT7):c.823G>A (p.Gly275Ser)

Gene: MBOAT7 (membrane bound acylglycerophosphatidylinositol O-acyltransferase MBOAT7; minus strand). Cytogenetic location: 19q13.42.
Variant type: single nucleotide variant.
Coding change: c.823G>A on transcript NM_024298.5 (MANE Select); coding-DNA position 823, G replaced by A.
Protein change: p.Gly275Ser; replaces glycine 275 with serine.
Molecular consequence: missense variant.
Genome position (GRCh38, 1-based): chr19:54,180,804, C>T on the plus strand (G>A on the coding strand, the complement: MBOAT7 is on the minus strand). VCF-style: chr19-54180804-C-T. GRCh37 (hg19) VCF-style: chr19-54684521-C-T.
Other names: c.604G>A, p.Gly202Ser (NM_001146056.3, NM_001146083.3); c.823G>A, p.Gly275Ser (NM_001146082.3); short protein forms G202S, G275S.
Identifiers: ClinVar variation 1189642 (VCV001189642.4), dbSNP rs756299945, ClinGen allele CA309346585.